The following is an entry in ClinVar:

ClinVar aggregate classification (germline): Uncertain significance (1 of 4 stars; one submission).

Submission:

Labcorp Genetics (formerly Invitae), Labcorp
Classification: Uncertain significance. Last evaluated: 2022-10-10. Review status: criteria provided, single submitter. Criteria: Invitae Variant Classification Sherloc (09022015). Collection method: clinical testing. Allele origin: germline.
Comment: This sequence change replaces alanine, which is neutral and non-polar, with proline, which is neutral and non-polar, at codon 202 of the FREM2 protein (p.Ala202Pro). In summary, the available evidence is currently insufficient to determine the role of this variant in disease. Therefore, it has been classified as a Variant of Uncertain Significance. Algorithms developed to predict the effect of missense changes on protein structure and function (SIFT, PolyPhen-2, Align-GVGD) all suggest that this variant is likely to be tolerated. This variant has not been reported in the literature in individuals affected with FREM2-related conditions. This variant is not present in population databases (gnomAD no frequency).

NM_207361.6(FREM2):c.604G>C (p.Ala202Pro)

Gene: FREM2 (FRAS1 related extracellular matrix 2; plus strand). Cytogenetic location: 13q13.3.
Variant type: single nucleotide variant.
Coding change: c.604G>C on transcript NM_207361.6 (MANE Select); coding-DNA position 604, G replaced by C.
Protein change: p.Ala202Pro; replaces alanine 202 with proline.
Molecular consequence: missense variant.
Genome position (GRCh38, 1-based): chr13:38,687,948, G>C. VCF-style: chr13-38687948-G-C. GRCh37 (hg19) VCF-style: chr13-39262085-G-C.
Other names: short protein forms A202P.
Identifiers: ClinVar variation 2807367 (VCV002807367.3), dbSNP rs2541349556, ClinGen allele CA387882549.